The following is an entry in ClinVar:

NM_152383.5(DIS3L2):c.1541C>A (p.Pro514His)

Gene: DIS3L2 (DIS3 like 3'-5' exoribonuclease 2; plus strand). Cytogenetic location: 2q37.1.
Variant type: single nucleotide variant.
Coding change: c.1541C>A on transcript NM_152383.5 (MANE Select); coding-DNA position 1541, C replaced by A.
Protein change: p.Pro514His; replaces proline 514 with histidine.
Molecular consequence: missense variant. On other transcripts: non-coding transcript variant (2).
Genome position (GRCh38, 1-based): chr2:232,263,322, C>A. VCF-style: chr2-232263322-C-A. GRCh37 (hg19) VCF-style: chr2-233128032-C-A.
Other names: c.1541C>A, p.Pro514His (NM_001257281.2); short protein forms P514H.
Identifiers: ClinVar variation 3639829 (VCV003639829.2).
Genomic context (GRCh38, chr2:232,263,322, plus strand): 5'-ACGAGCATGCACAGAGCATGATTGAAAGCCCAACTGAGAAAATCCCTGCGAAAGAGCTGC[C>A]CCCCATTTCCCCAGAGCATAGCAGCGAGGAGGTACACCAGGCCGTCTTGAATCTCCACGG-3'
Protein context (NP_689596.4, residues 504-524): PTEKIPAKEL[Pro514His]PISPEHSSEE

ClinVar aggregate classification (germline): Uncertain significance (1 of 4 stars; one submission).

Conditions:
Perlman syndrome (PRLMNS). Identifiers: Orphanet 2849, MedGen C0796113, MONDO:0009965, OMIM 267000.

Submission:

Labcorp Genetics (formerly Invitae), Labcorp
Classification: Uncertain significance for Perlman syndrome. Last evaluated: 2024-02-09. Review status: criteria provided, single submitter. Criteria: Invitae Variant Classification Sherloc (09022015). Collection method: clinical testing. Allele origin: germline.
Comment: This sequence change replaces proline, which is neutral and non-polar, with histidine, which is basic and polar, at codon 514 of the DIS3L2 protein (p.Pro514His). This variant is not present in population databases (gnomAD no frequency). This variant has not been reported in the literature in individuals affected with DIS3L2-related conditions. An algorithm developed to predict the effect of missense changes on protein structure and function (PolyPhen-2) suggests that this variant is likely to be disruptive. In summary, the available evidence is currently insufficient to determine the role of this variant in disease. Therefore, it has been classified as a Variant of Uncertain Significance.